The following is an entry in ClinVar:

NM_020778.5(ALPK3):c.3921G>C (p.Leu1307Phe)

Gene: ALPK3 (alpha kinase 3; plus strand). Cytogenetic location: 15q25.3.
Variant type: single nucleotide variant.
Coding change: c.3921G>C on transcript NM_020778.5 (MANE Select); coding-DNA position 3921, G replaced by C.
Protein change: p.Leu1307Phe; replaces leucine 1307 with phenylalanine.
Molecular consequence: missense variant.
Genome position (GRCh38, 1-based): chr15:84,859,346, G>C. VCF-style: chr15-84859346-G-C. GRCh37 (hg19) VCF-style: chr15-85402577-G-C.
Other names: short protein forms L1307F.
Identifiers: ClinVar variation 3711847 (VCV003711847.3).

ClinVar aggregate classification (germline): Uncertain significance. Review status: criteria provided, multiple submitters, no conflicts (2 of 4 stars). 2 submissions from 2 submitters: Uncertain significance (2). Last evaluated 2026-02-18.

Submissions (2):

GeneDx
Classification: Uncertain significance. Last evaluated: 2026-02-18. Review status: criteria provided, single submitter. Criteria: GeneDx Variant Classification Process June 2021. Collection method: clinical testing. Allele origin: germline.
Comment: Not observed at significant frequency in large population cohorts (gnomAD); In silico analysis supports that this missense variant has a deleterious effect on protein structure/function; Has not been previously published as pathogenic or benign to our knowledge

Labcorp Genetics (formerly Invitae), Labcorp
Classification: Uncertain significance. Last evaluated: 2024-12-04. Review status: criteria provided, single submitter. Criteria: Invitae Variant Classification Sherloc (09022015). Collection method: clinical testing. Allele origin: germline.
Comment: This sequence change replaces leucine, which is neutral and non-polar, with phenylalanine, which is neutral and non-polar, at codon 1509 of the ALPK3 protein (p.Leu1509Phe). This variant is not present in population databases (gnomAD no frequency). This variant has not been reported in the literature in individuals affected with ALPK3-related conditions. Invitae Evidence Modeling of protein sequence and biophysical properties (such as structural, functional, and spatial information, amino acid conservation, physicochemical variation, residue mobility, and thermodynamic stability) indicates that this missense variant is expected to disrupt ALPK3 protein function with a positive predictive value of 80%. In summary, the available evidence is currently insufficient to determine the role of this variant in disease. Therefore, it has been classified as a Variant of Uncertain Significance.